The following is an entry in ClinVar:

ClinVar aggregate classification (germline): Conflicting classifications of pathogenicity. Review status: criteria provided, conflicting classifications (1 of 4 stars). 3 submissions from 3 submitters: Uncertain significance (2); Likely benign (1). Last evaluated 2025-12-12.

Conditions:
Hereditary spastic paraplegia 30. Identifiers: Orphanet 101010, MedGen C5235139, MONDO:0012476.
Neuropathy, hereditary sensory, type 2C. Also called: Hereditary sensory and autonomic neuropathy type IIC; KIF1A-Related HSAN2 (HSAN2C). Identifiers: Orphanet 970, MedGen C3280168, MONDO:0013634, OMIM 614213.
Intellectual disability, autosomal dominant 9 (NESCAVS). Also called: KIF1A-Related Neurodevelopmental Disorder; NESCAV SYNDROME. Identifiers: Orphanet 662367, MedGen C5393830, MONDO:0013656, OMIM 614255.

Allele frequency attached by ClinVar (database versions not stated): gnomAD 0.00004 and 0.00005; ExAC 0.00005; TOPMed 0.00007; ESP Exome Variant Server 0.00008.
gnomAD v4.1: 67 of 1,611,844 alleles (0.0042%); highest among the groups gnomAD compares: South Asian, 0.04%; no homozygotes.

Submissions (3):

Labcorp Genetics (formerly Invitae), Labcorp
Classification: Likely benign for Hereditary spastic paraplegia 30; Neuropathy, hereditary sensory, type 2C; Intellectual disability, autosomal dominant 9. Last evaluated: 2025-12-12. Review status: criteria provided, single submitter. Criteria: Invitae Variant Classification Sherloc (09022015). Collection method: clinical testing. Allele origin: germline.

GeneDx
Classification: Uncertain significance. Last evaluated: 2021-09-07. Review status: criteria provided, single submitter. Criteria: GeneDx Variant Classification Process June 2021. Collection method: clinical testing. Allele origin: germline. Affected: yes.
Comment: Has not been previously published as pathogenic or benign to our knowledge; This amino acid substitution does not occur within the predicted motor domain of the protein, where most pathogenic missense variants in KIF1A have been identified (Lee et al., 2015).; In silico analysis supports that this missense variant does not alter protein structure/function

CeGaT Center for Human Genetics Tuebingen
Classification: Uncertain significance. Last evaluated: 2017-04-01. Review status: criteria provided, single submitter. Criteria: CeGaT Center For Human Genetics Tuebingen Variant Classification Criteria Version 2. Collection method: clinical testing. Allele origin: germline. Affected: yes. Observed: 2 variant alleles.

NM_001244008.2(KIF1A):c.1651G>A (p.Val551Ile)

Gene: KIF1A (kinesin family member 1A; minus strand). Cytogenetic location: 2q37.3.
Variant type: single nucleotide variant.
Coding change: c.1651G>A on transcript NM_001244008.2 (MANE Select); coding-DNA position 1651, G replaced by A.
Protein change: p.Val551Ile; replaces valine 551 with isoleucine.
Molecular consequence: missense variant.
Genome position (GRCh38, 1-based): chr2:240,766,948, C>T on the plus strand (G>A on the coding strand, the complement: KIF1A is on the minus strand). VCF-style: chr2-240766948-C-T. GRCh37 (hg19) VCF-style: chr2-241706365-C-T.
Other names: c.1651G>A, p.Val551Ile (NM_001320705.2, NM_001330289.2, NM_001379638.1); c.1726G>A, p.Val576Ile (NM_001330290.2, NM_001379631.1, NM_001379634.1 and 2 more transcripts); c.1624G>A, p.Val542Ile (NM_001379632.1, NM_001379633.1, NM_001379636.1 and 10 more transcripts); c.1699G>A, p.Val567Ile (NM_001379637.1, NM_001379648.1); short protein forms V542I, V551I, V576I, V567I.
Identifiers: ClinVar variation 444561 (VCV000444561.52), dbSNP rs373891682, ClinGen allele CA2208324.